The following is an entry in ClinVar:

NM_005902.4(SMAD3):c.29C>G (p.Pro10Arg)

Genes: SMAD3 (SMAD family member 3; plus strand), LOC130057352 (ATAC-STARR-seq lymphoblastoid silent region 6574; plus strand). Cytogenetic location: 15q22.33.
Variant type: single nucleotide variant.
Coding change: c.29C>G on transcript NM_005902.4 (MANE Select); coding-DNA position 29, C replaced by G.
Protein change: p.Pro10Arg; replaces proline 10 with arginine.
Molecular consequence: missense variant.
Genome position (GRCh38, 1-based): chr15:67,066,183, C>G. VCF-style: chr15-67066183-C-G. GRCh37 (hg19) VCF-style: chr15-67358521-C-G.
Other names: c.29C>G, p.Pro10Arg (NM_001407013.1, NM_001407011.1, NM_001407012.1); short protein forms P10R.
Identifiers: ClinVar variation 5029699 (VCV005029699.1).

ClinVar aggregate classification (germline): Uncertain significance (1 of 4 stars; one submission).

Conditions:
Familial thoracic aortic aneurysm and aortic dissection (TAAD). Also called: Thoracic aortic aneurysms and dissections. Identifiers: Orphanet 91387, MedGen C4707243, MONDO:0019625.

gnomAD v4.1: 1 of 1,609,164 alleles (0.000062%); no homozygotes.

Submission:

Ambry Genetics
Classification: Uncertain significance for Familial thoracic aortic aneurysm and aortic dissection. Last evaluated: 2026-07-07. Review status: criteria provided, single submitter. Criteria: Ambry Variant Classification Scheme 2023. Collection method: clinical testing. Allele origin: germline.
Comment: The p.P10R variant (also known as c.29C>G), located in coding exon 1 of the SMAD3 gene, results from a C to G substitution at nucleotide position 29. The proline at codon 10 is replaced by arginine, an amino acid with dissimilar properties. This amino acid position is well conserved in available vertebrate species. In addition, this alteration is predicted to be deleterious by in silico analysis. Based on the available evidence, the clinical significance of this variant remains unclear.